The following is an entry in ClinVar:

NM_017777.4(MKS1):c.214G>A (p.Glu72Lys)

Gene: MKS1 (MKS transition zone complex subunit 1; minus strand). Cytogenetic location: 17q22.
Variant type: single nucleotide variant.
Coding change: c.214G>A on transcript NM_017777.4 (MANE Select); coding-DNA position 214, G replaced by A.
Protein change: p.Glu72Lys; replaces glutamic acid 72 with lysine.
Molecular consequence: missense variant. On other transcripts: 5 prime UTR variant (1).
Genome position (GRCh38, 1-based): chr17:58,216,713, C>T on the plus strand (G>A on the coding strand, the complement: MKS1 is on the minus strand). VCF-style: chr17-58216713-C-T. GRCh37 (hg19) VCF-style: chr17-56294074-C-T.
Other names: c.-298G>A (NM_001321268.2); c.214G>A, p.Glu72Lys (NM_001321269.2, NM_001330397.2); short protein forms E72K.
Identifiers: ClinVar variation 324168 (VCV000324168.7), dbSNP rs753620277, ClinGen allele CA8669602.

ClinVar aggregate classification (germline): Uncertain significance. Review status: criteria provided, single submitter (1 of 4 stars). 2 submissions from 2 submitters: Uncertain significance (1). 1 of the submissions does not count toward it. Last evaluated 2025-12-30.

Conditions:
MKS1-related disorder. Also called: MKS1-related disorders; MKS1-related condition. Identifiers: MedGen CN239382.
Bardet-Biedl syndrome 13 (BBS13). Identifiers: Orphanet 110, MedGen C2673873, MONDO:0014441, OMIM 615990.
Meckel syndrome, type 1 (MKS1). Also called: MECKEL-GRUBER SYNDROME, TYPE 1. Identifiers: Orphanet 564, MedGen C3714506, MONDO:0009571, OMIM 249000.
Joubert syndrome 28 (JBTS28). Identifiers: MedGen C4310705, MONDO:0014928, OMIM 617121.

Allele frequency attached by ClinVar (database versions not stated): TOPMed below 0.00001; gnomAD 0.00001; gnomAD exomes 0.00001; ExAC 0.00002.
gnomAD v4.1: 16 of 1,614,094 alleles (0.00099%); highest among the groups gnomAD compares: East Asian, 0.0067%; no homozygotes.

Submissions (2):

PreventionGenetics, part of Exact Sciences
Classification: Uncertain significance for MKS1-related condition. Last evaluated: 2025-12-30. Review status: criteria provided, single submitter. Criteria: ACMG Guidelines, 2015. Collection method: clinical testing. Allele origin: germline.
Comment: The MKS1 c.214G>A variant is predicted to result in the amino acid substitution p.Glu72Lys. To our knowledge, this variant has not been reported in the literature. This variant is reported in 0.0033% of alleles in individuals of South Asian descent in gnomAD. At this time, the clinical significance of this variant is uncertain due to the absence of conclusive functional and genetic evidence.

Counsyl
Classification: Uncertain significance for Meckel syndrome, type 1; Bardet-Biedl syndrome 13; Joubert syndrome 28. Last evaluated: 2017-08-18. Review status: no assertion criteria provided. Collection method: clinical testing. Allele origin: unknown. Not counted in ClinVar's aggregate classification.